The following is an entry in ClinVar:

NM_000268.4(NF2):c.560G>T (p.Arg187Ile)

Gene: NF2 (NF2, moesin-ezrin-radixin like (MERLIN) tumor suppressor; plus strand). Cytogenetic location: 22q12.2.
Variant type: single nucleotide variant.
Coding change: c.560G>T on transcript NM_000268.4 (MANE Select); coding-DNA position 560, G replaced by T.
Protein change: p.Arg187Ile; replaces arginine 187 with isoleucine.
Molecular consequence: missense variant. On other transcripts: non-coding transcript variant (1), intron variant (1).
Genome position (GRCh38, 1-based): chr22:29,655,637, G>T. VCF-style: chr22-29655637-G-T. GRCh37 (hg19) VCF-style: chr22-30051626-G-T.
Other names: c.446G>T, p.Arg149Ile (NM_001407053.1, NM_001407056.1); c.437G>T, p.Arg146Ile (NM_001407054.1, NM_001407058.1, NM_001407062.1 and 1 more transcripts); c.434G>T, p.Arg145Ile (NM_001407055.1, NM_181828.3); c.560G>T, p.Arg187Ile (NM_001407057.1, NM_001407059.1, NM_001407060.1 and 4 more transcripts); c.311G>T, p.Arg104Ile (NM_001407063.1, NM_001407064.1, NM_181830.3 and 1 more transcripts); c.26G>T, p.Arg9Ile (NM_001407065.1); c.329G>T, p.Arg110Ile (NM_001407067.1); c.447+13352G>T (NM_181833.3); short protein forms R104I, R149I, R110I, R145I, R146I, R187I, R9I.
Identifiers: ClinVar variation 1748627 (VCV001748627.2), dbSNP rs1234052589, ClinGen allele CA411142616.
Genomic context (GRCh38, chr22:29,655,637, plus strand): 5'-GCTCTATTTTTTGGTAGGTAATAAATCTGTATCAGATGACTCCGGAAATGTGGGAGGAGA[G>T]AATTACTGCTTGGTACGCAGAGCACCGAGGCCGAGCCAGGTGAGGCCCATTCATTGTTGG-3'
Protein context (NP_000259.1, residues 177-197): YQMTPEMWEE[Arg187Ile]ITAWYAEHRG

ClinVar aggregate classification (germline): Uncertain significance (1 of 4 stars; one submission).

Conditions:
Hereditary cancer-predisposing syndrome. Also called: Hereditary Cancer Syndrome; Hereditary neoplastic syndrome; Neoplastic Syndromes, Hereditary; Tumor predisposition. Identifiers: Orphanet 140162, MedGen C0027672, MeSH D009386, MONDO:0015356.

Submission:

Ambry Genetics
Classification: Uncertain significance for Hereditary cancer-predisposing syndrome. Last evaluated: 2022-08-09. Review status: criteria provided, single submitter. Criteria: Ambry Variant Classification Scheme 2023. Collection method: clinical testing. Allele origin: germline.
Comment: The p.R187I variant (also known as c.560G>T), located in coding exon 6 of the NF2 gene, results from a G to T substitution at nucleotide position 560. The arginine at codon 187 is replaced by isoleucine, an amino acid with similar properties. This amino acid position is conserved. In addition, the in silico prediction for this alteration is inconclusive. Since supporting evidence is limited at this time, the clinical significance of this alteration remains unclear.